The following is an entry in ClinVar:

ClinVar aggregate classification (germline): Benign. Review status: criteria provided, multiple submitters, no conflicts (2 of 4 stars). 3 submissions from 3 submitters: Benign (3). Last evaluated 2025-11-24.

Allele frequency attached by ClinVar (database versions not stated): gnomAD 0.00006; gnomAD exomes 0.00011 and 0.00026; TOPMed 0.00012; 1000 Genomes Project 0.00020; ExAC 0.00026; 1000 Genomes Project 30x 0.00031.
gnomAD v4.1: 75 of 1,614,170 alleles (0.0046%); highest among the groups gnomAD compares: Admixed American, 0.12%; no homozygotes.

Submissions (3):

Labcorp Genetics (formerly Invitae), Labcorp
Classification: Benign. Last evaluated: 2025-11-24. Review status: criteria provided, single submitter. Criteria: Invitae Variant Classification Sherloc (09022015). Collection method: clinical testing. Allele origin: germline.

Athena Diagnostics
Classification: Benign. Last evaluated: 2025-01-28. Review status: criteria provided, single submitter. Criteria: Athena Diagnostics Criteria. Collection method: clinical testing. Allele origin: unknown.
Comment: The frequency of this variant in the general population is higher than would generally be expected for pathogenic variants in this gene. Computational tools yielded predictions that this variant is unlikely to have an effect on normal RNA splicing. This nucleotide position exhibits low evolutionary conservation.

Breakthrough Genomics
Classification: Benign. Review status: criteria provided, single submitter. Criteria: ACMG Guidelines, 2015. Collection method: not provided. Allele origin: germline. Inheritance: Autosomal dominant inheritance. Affected: yes.

NM_004172.5(SLC1A3):c.711T>C (p.Ser237=)

Genes: SLC1A3 (solute carrier family 1 member 3; plus strand), SLC1A3-AS1 (SLC1A3 antisense RNA 1; minus strand). Cytogenetic location: 5p13.2.
Variant type: single nucleotide variant.
Coding change: c.711T>C on transcript NM_004172.5 (MANE Select); coding-DNA position 711, T replaced by C.
Protein change: p.Ser237=; no amino-acid change (serine 237 retained).
Molecular consequence: synonymous variant. On other transcripts: intron variant (1).
Genome position (GRCh38, 1-based): chr5:36,677,035, T>C. VCF-style: chr5-36677035-T-C. GRCh37 (hg19) VCF-style: chr5-36677137-T-C.
Other names: c.711T>C, p.Ser237= (NM_001166695.3); c.573T>C, p.Ser191= (NM_001289939.2); c.525-2592T>C (NM_001289940.2).
Identifiers: ClinVar variation 740226 (VCV000740226.11), dbSNP rs192878413, ClinGen allele CA3235526.